The following is an entry in ClinVar:

NM_006612.6(KIF1C):c.3098C>T (p.Ser1033Phe)

Gene: KIF1C (kinesin family member 1C; plus strand). Cytogenetic location: 17p13.2.
Variant type: single nucleotide variant.
Coding change: c.3098C>T on transcript NM_006612.6 (MANE Select); coding-DNA position 3098, C replaced by T.
Protein change: p.Ser1033Phe; replaces serine 1033 with phenylalanine.
Molecular consequence: missense variant.
Genome position (GRCh38, 1-based): chr17:5,023,937, C>T. VCF-style: chr17-5023937-C-T. GRCh37 (hg19) VCF-style: chr17-4927232-C-T.
Other names: short protein forms S1033F.
Identifiers: ClinVar variation 649471 (VCV000649471.6), dbSNP rs779584975, ClinGen allele CA8319482.

ClinVar aggregate classification (germline): Uncertain significance (1 of 4 stars; one submission).

Conditions:
Spastic ataxia 2. Also called: Ataxia, spastic, 2, autosomal recessive. Identifiers: Orphanet 397946, MedGen C1969796, MONDO:0012651, OMIM 611302.

Allele frequency attached by ClinVar (database versions not stated): ExAC 0.00002; gnomAD exomes 0.00001; TOPMed 0.00002.
gnomAD v4.1: 10 of 1,573,724 alleles (0.00064%); highest among the groups gnomAD compares: Middle Eastern, 0.017%; no homozygotes.

Submission:

Labcorp Genetics (formerly Invitae), Labcorp
Classification: Uncertain significance for Spastic ataxia 2. Last evaluated: 2022-05-18. Review status: criteria provided, single submitter. Criteria: Invitae Variant Classification Sherloc (09022015). Collection method: clinical testing. Allele origin: germline.
Comment: This sequence change replaces serine, which is neutral and polar, with phenylalanine, which is neutral and non-polar, at codon 1033 of the KIF1C protein (p.Ser1033Phe). This variant is present in population databases (rs779584975, gnomAD 0.002%). This variant has not been reported in the literature in individuals affected with KIF1C-related conditions. ClinVar contains an entry for this variant (Variation ID: 649471). Algorithms developed to predict the effect of missense changes on protein structure and function are either unavailable or do not agree on the potential impact of this missense change (SIFT: "Deleterious"; PolyPhen-2: "Possibly Damaging"; Align-GVGD: "Class C0"). In summary, the available evidence is currently insufficient to determine the role of this variant in disease. Therefore, it has been classified as a Variant of Uncertain Significance.